The following is an entry in ClinVar:

ClinVar aggregate classification (germline): Likely benign (1 of 4 stars; one submission).

Allele frequency attached by ClinVar (database versions not stated): TOPMed 0.00051; gnomAD exomes 0.00101; gnomAD 0.00109; ExAC 0.00232; 1000 Genomes Project 0.00339; 1000 Genomes Project 30x 0.00344.
gnomAD v4.1: 1,649 of 1,614,176 alleles (0.1%); highest among the groups gnomAD compares: East Asian, 0.83%; 13 homozygotes.

Submission:

CeGaT Center for Human Genetics Tuebingen
Classification: Likely benign. Last evaluated: 2022-11-01. Review status: criteria provided, single submitter. Criteria: CeGaT Center For Human Genetics Tuebingen Variant Classification Criteria Version 2. Collection method: clinical testing. Allele origin: germline. Affected: yes. Observed: 1 variant allele.
Comment: XPNPEP1: BP4, BP7, BS2

NM_020383.4(XPNPEP1):c.1419A>G (p.Thr473=)

Gene: XPNPEP1 (X-prolyl aminopeptidase 1; minus strand). Cytogenetic location: 10q25.1.
Variant type: single nucleotide variant.
Coding change: c.1419A>G on transcript NM_020383.4 (MANE Select); coding-DNA position 1419, A replaced by G.
Protein change: p.Thr473=; no amino-acid change (threonine 473 retained).
Molecular consequence: synonymous variant.
Genome position (GRCh38, 1-based): chr10:109,873,400, T>C on the plus strand (A>G on the coding strand, the complement: XPNPEP1 is on the minus strand). VCF-style: chr10-109873400-T-C. GRCh37 (hg19) VCF-style: chr10-111633158-T-C.
Other names: c.1347A>G, p.Thr449= (NM_001167604.2); c.1077A>G, p.Thr359= (NM_001324128.2); c.1026A>G, p.Thr342= (NM_001324131.2); c.1290A>G, p.Thr430= (NM_001324132.2); c.1419A>G, p.Thr473= (NM_001324133.2); c.897A>G, p.Thr299= (NM_001324134.2); c.1368A>G, p.Thr456= (NM_001324135.2); c.1404A>G, p.Thr468= (NM_001324136.1).
Identifiers: ClinVar variation 2640822 (VCV002640822.24), dbSNP rs188371935, ClinGen allele CA5685693.